The following is an entry in ClinVar:

NM_002335.4(LRP5):c.2785G>A (p.Ala929Thr)

Gene: LRP5 (LDL receptor related protein 5; plus strand). Cytogenetic location: 11q13.2.
Variant type: single nucleotide variant.
Coding change: c.2785G>A on transcript NM_002335.4 (MANE Select); coding-DNA position 2785, G replaced by A.
Protein change: p.Ala929Thr; replaces alanine 929 with threonine.
Molecular consequence: missense variant.
Genome position (GRCh38, 1-based): chr11:68,413,970, G>A. VCF-style: chr11-68413970-G-A. GRCh37 (hg19) VCF-style: chr11-68181438-G-A.
Other names: c.1042G>A, p.Ala348Thr (NM_001291902.2); c.2785G>A (NM_002335.3); short protein forms A348T, A929T.
Identifiers: ClinVar variation 1284585 (VCV001284585.8), dbSNP rs372374697, ClinGen allele CA6149737.

ClinVar aggregate classification (germline): Uncertain significance. Review status: criteria provided, multiple submitters, no conflicts (2 of 4 stars). 4 submissions from 4 submitters: Uncertain significance (2). 2 of the submissions do not count toward it. Last evaluated 2026-02-12.

Conditions:
LRP5-related disorder. Also called: LRP5-related condition.

Allele frequency attached by ClinVar (database versions not stated): TOPMed 0.00001; ExAC 0.00002; gnomAD exomes 0.00002; ESP Exome Variant Server 0.00008.
gnomAD v4.1: 17 of 1,606,678 alleles (0.0011%); highest among the groups gnomAD compares: East Asian, 0.011%; no homozygotes.

Submissions (4):

PreventionGenetics, part of Exact Sciences
Classification: Uncertain significance for LRP5-related condition. Last evaluated: 2026-02-12. Review status: criteria provided, single submitter. Criteria: ACMG Guidelines, 2015. Collection method: clinical testing. Allele origin: germline.
Comment: The LRP5 c.2785G>A variant is predicted to result in the amino acid substitution p.Ala929Thr. To our knowledge, this variant has not been reported in the literature. This variant is reported in 0.013% of alleles in individuals of African descent in gnomAD. At this time, the clinical significance of this variant is uncertain due to the absence of conclusive functional and genetic evidence.

Labcorp Genetics (formerly Invitae), Labcorp
Classification: Uncertain significance. Last evaluated: 2023-10-20. Review status: criteria provided, single submitter. Criteria: Invitae Variant Classification Sherloc (09022015). Collection method: clinical testing. Allele origin: germline.
Comment: This sequence change replaces alanine, which is neutral and non-polar, with threonine, which is neutral and polar, at codon 929 of the LRP5 protein (p.Ala929Thr). This variant is present in population databases (rs372374697, gnomAD 0.01%). This variant has not been reported in the literature in individuals affected with LRP5-related conditions. ClinVar contains an entry for this variant (Variation ID: 1284585). Advanced modeling of protein sequence and biophysical properties (such as structural, functional, and spatial information, amino acid conservation, physicochemical variation, residue mobility, and thermodynamic stability) performed at Invitae indicates that this missense variant is not expected to disrupt LRP5 protein function. In summary, the available evidence is currently insufficient to determine the role of this variant in disease. Therefore, it has been classified as a Variant of Uncertain Significance.

Clinical Genetics DNA and cytogenetics Diagnostics Lab, Erasmus MC, Erasmus Medical Center
Classification: Uncertain significance. Review status: no assertion criteria provided. Collection method: clinical testing. Allele origin: germline. Affected: yes. Study: VKGL Data-share Consensus. Not counted in ClinVar's aggregate classification.

Clinical Genetics, Academic Medical Center
Classification: Uncertain significance. Review status: no assertion criteria provided. Collection method: clinical testing. Allele origin: germline. Affected: yes. Study: VKGL Data-share Consensus. Not counted in ClinVar's aggregate classification.